The following is an entry in ClinVar:

ClinVar aggregate classification (germline): Likely benign (0 of 4 stars; one submission).

Conditions:
SLC10A2-related disorder. Also called: SLC10A2-related condition.

gnomAD v4.1: 2 of 1,614,190 alleles (0.00012%); highest among the groups gnomAD compares: East Asian, 0.0045%; no homozygotes.

Submission:

PreventionGenetics, part of Exact Sciences
Classification: Likely benign for SLC10A2-related condition. Last evaluated: 2023-03-15. Review status: no assertion criteria provided. Collection method: clinical testing. Allele origin: germline.
Comment: This variant is classified as likely benign based on ACMG/AMP sequence variant interpretation guidelines (Richards et al. 2015 PMID: 25741868, with internal and published modifications).

NM_000452.3(SLC10A2):c.162A>G (p.Glu54=)

Gene: SLC10A2 (solute carrier family 10 member 2; minus strand). Cytogenetic location: 13q33.1.
Variant type: single nucleotide variant.
Coding change: c.162A>G on transcript NM_000452.3 (MANE Select); coding-DNA position 162, A replaced by G.
Protein change: p.Glu54=; no amino-acid change (glutamic acid 54 retained).
Molecular consequence: synonymous variant.
Genome position (GRCh38, 1-based): chr13:103,066,088, T>C on the plus strand (A>G on the coding strand, the complement: SLC10A2 is on the minus strand). VCF-style: chr13-103066088-T-C. GRCh37 (hg19) VCF-style: chr13-103718438-T-C.
Identifiers: ClinVar variation 3356338 (VCV003356338.1).
Genomic context (GRCh38, chr13:103,066,088, plus strand): 5'-ACAGAGGAAGCCAACACAAATGCCCCACGGCCGCTTTATGTGCCCTAGAAATTTCTTGAT[T>C]TCCACGTTGCATCCCATGGAGAACATCACCAAGGCCAACAGGATGGTCAGCACCGTACTT-3'
Protein context (NP_000443.2, residues 44-64): LVMFSMGCNV[Glu54=]IKKFLGHIKR